The following is an entry in ClinVar:

NM_020442.6(VARS2):c.2936C>T (p.Thr979Met)

Gene: VARS2 (valyl-tRNA synthetase 2, mitochondrial; plus strand). Cytogenetic location: 6p21.33.
Variant type: single nucleotide variant.
Coding change: c.2936C>T on transcript NM_020442.6 (MANE Select); coding-DNA position 2936, C replaced by T.
Protein change: p.Thr979Met; replaces threonine 979 with methionine.
Molecular consequence: missense variant.
Genome position (GRCh38, 1-based): chr6:30,925,694, C>T. VCF-style: chr6-30925694-C-T. GRCh37 (hg19) VCF-style: chr6-30893471-C-T.
Other names: c.2516C>T, p.Thr839Met (NM_001167733.3); c.3026C>T, p.Thr1009Met (NM_001167734.2); short protein forms T839M, T979M, T1009M.
Identifiers: ClinVar variation 1941830 (VCV001941830.5), dbSNP rs1276255797, ClinGen allele CA363177884.
Genomic context (GRCh38, chr6:30,925,694, plus strand): 5'-GCCTGTTACCCCCAGGCGCAGCAGCTCCCTCCGGCTGGGCCCAGGCTCCACTCAGTGACA[C>T]GGCTCAAGTCTACATGGAGCTGCAGGTGACCAGAGGGGATGGGGAGGGTTAGGGCAGGCT-3'
Protein context (NP_065175.4, residues 969-989): SGWAQAPLSD[Thr979Met]AQVYMELQGL

ClinVar aggregate classification (germline): Uncertain significance (1 of 4 stars; one submission).

Allele frequency attached by ClinVar (database versions not stated): TOPMed below 0.00001; gnomAD 0.00001.
gnomAD v4.1: 17 of 1,611,006 alleles (0.0011%); highest among the groups gnomAD compares: Middle Eastern, 0.079%; no homozygotes.

Submission:

Labcorp Genetics (formerly Invitae), Labcorp
Classification: Uncertain significance. Last evaluated: 2022-06-15. Review status: criteria provided, single submitter. Criteria: Invitae Variant Classification Sherloc (09022015). Collection method: clinical testing. Allele origin: germline.
Comment: This variant has not been reported in the literature in individuals affected with VARS2-related conditions. This sequence change replaces threonine, which is neutral and polar, with methionine, which is neutral and non-polar, at codon 1009 of the VARS2 protein (p.Thr1009Met). This variant is present in population databases (no rsID available, gnomAD no frequency). Algorithms developed to predict the effect of missense changes on protein structure and function are either unavailable or do not agree on the potential impact of this missense change (SIFT: "Tolerated"; PolyPhen-2: "Possibly Damaging"; Align-GVGD: "Class C0"). In summary, the available evidence is currently insufficient to determine the role of this variant in disease. Therefore, it has been classified as a Variant of Uncertain Significance.